The following is an entry in ClinVar:

ClinVar aggregate classification (germline): Uncertain significance. Review status: criteria provided, multiple submitters, no conflicts (2 of 4 stars). 2 submissions from 2 submitters: Uncertain significance (2). Last evaluated 2025-09-26.

Conditions:
WNT1-related disorder. Also called: WNT1-related condition.

Allele frequency attached by ClinVar (database versions not stated): gnomAD exomes below 0.00001; TOPMed below 0.00001.

Submissions (2):

PreventionGenetics, part of Exact Sciences
Classification: Uncertain significance for WNT1-related condition. Last evaluated: 2025-09-26. Review status: criteria provided, single submitter. Criteria: ACMG Guidelines, 2015. Collection method: clinical testing. Allele origin: germline.
Comment: The WNT1 c.545G>A variant is predicted to result in the amino acid substitution p.Arg182Gln. To our knowledge, this variant has not been reported in the literature. This variant is reported in 0.0092% of alleles in individuals of Latino descent in gnomAD. At this time, the clinical significance of this variant is uncertain due to the absence of conclusive functional and genetic evidence.

Labcorp Genetics (formerly Invitae), Labcorp
Classification: Uncertain significance. Last evaluated: 2023-08-21. Review status: criteria provided, single submitter. Criteria: Invitae Variant Classification Sherloc (09022015). Collection method: clinical testing. Allele origin: germline.
Comment: In summary, the available evidence is currently insufficient to determine the role of this variant in disease. Therefore, it has been classified as a Variant of Uncertain Significance. Advanced modeling of protein sequence and biophysical properties (such as structural, functional, and spatial information, amino acid conservation, physicochemical variation, residue mobility, and thermodynamic stability) performed at Invitae indicates that this missense variant is not expected to disrupt WNT1 protein function. This variant has not been reported in the literature in individuals affected with WNT1-related conditions. This variant is present in population databases (no rsID available, gnomAD 0.009%). This sequence change replaces arginine, which is basic and polar, with glutamine, which is neutral and polar, at codon 182 of the WNT1 protein (p.Arg182Gln).

NM_005430.4(WNT1):c.545G>A (p.Arg182Gln)

Gene: WNT1 (Wnt family member 1; plus strand). Cytogenetic location: 12q13.12.
Variant type: single nucleotide variant.
Coding change: c.545G>A on transcript NM_005430.4 (MANE Select); coding-DNA position 545, G replaced by A.
Protein change: p.Arg182Gln; replaces arginine 182 with glutamine.
Molecular consequence: missense variant.
Genome position (GRCh38, 1-based): chr12:48,980,610, G>A. VCF-style: chr12-48980610-G-A. GRCh37 (hg19) VCF-style: chr12-49374393-G-A.
Other names: c.545G>A (NM_005430.3); short protein forms R182Q.
Identifiers: ClinVar variation 2994659 (VCV002994659.4), dbSNP rs1318772271, ClinGen allele CA384632030.